The following is an entry in ClinVar:

NM_003477.3(PDHX):c.577G>C (p.Glu193Gln)

Gene: PDHX (pyruvate dehydrogenase complex component X; plus strand). Cytogenetic location: 11p13.
Variant type: single nucleotide variant.
Coding change: c.577G>C on transcript NM_003477.3 (MANE Select); coding-DNA position 577, G replaced by C.
Protein change: p.Glu193Gln; replaces glutamic acid 193 with glutamine.
Molecular consequence: missense variant. On other transcripts: intron variant (1).
Genome position (GRCh38, 1-based): chr11:34,960,454, G>C. VCF-style: chr11-34960454-G-C. GRCh37 (hg19) VCF-style: chr11-34982001-G-C.
Other names: p.Glu193Gln; c.397G>C, p.Glu133Gln (NM_001135024.2); c.342+12848G>C (NM_001166158.2); short protein forms E193Q, E133Q.
Identifiers: ClinVar variation 304468 (VCV000304468.11), dbSNP rs149337104, ClinGen allele CA5945925.

ClinVar aggregate classification (germline): Uncertain significance. Review status: criteria provided, multiple submitters, no conflicts (2 of 4 stars). 5 submissions from 5 submitters: Uncertain significance (5). Last evaluated 2024-11-27.

Conditions:
Inborn genetic diseases. Identifiers: MedGen C0950123, MeSH D030342.
Pyruvate dehydrogenase E3-binding protein deficiency (PDHXD). Also called: E3-Binding Protein (Component X) Deficiency; Lacticacidemia due to PDX1 deficiency; PYRUVATE HYDROGENASE E3-BINDING PROTEIN DEFICIENCY; LACTIC ACIDEMIA DUE TO DEFECT IN LIPOYL-CONTAINING COMPONENT X OF THE PYRUVATE DEHYDROGENASE COMPLEX. Identifiers: Orphanet 255182, MedGen C1855553, MONDO:0009503, OMIM 245349.

Allele frequency attached by ClinVar (database versions not stated): ExAC 0.00006; gnomAD exomes 0.00007; TOPMed 0.00009; gnomAD 0.00010 and 0.00011; ESP Exome Variant Server 0.00015.
gnomAD v4.1: 341 of 1,613,278 alleles (0.021%); highest among the groups gnomAD compares: Non-Finnish European, 0.027%; no homozygotes.

Submissions (5):

Mayo Clinic Laboratories, Mayo Clinic
Classification: Uncertain significance. Last evaluated: 2024-11-27. Review status: criteria provided, single submitter. Criteria: ACMG Guidelines, 2015. Collection method: clinical testing. Allele origin: germline. Observed: 2 variant alleles.
Comment: BP4

Ambry Genetics
Classification: Uncertain significance for Inborn genetic diseases. Last evaluated: 2024-10-08. Review status: criteria provided, single submitter. Criteria: Ambry Variant Classification Scheme 2023. Collection method: clinical testing. Allele origin: germline.

Blueprint Genetics
Classification: Uncertain significance. Last evaluated: 2024-05-14. Review status: criteria provided, single submitter. Criteria: ACMG Guidelines, 2015. Collection method: clinical testing. Allele origin: germline.

Department of Pathology and Laboratory Medicine, Sinai Health System
Classification: Uncertain significance for Pyruvate dehydrogenase E3-binding protein deficiency. Last evaluated: 2021-07-30. Review status: criteria provided, single submitter. Criteria: ACMG Guidelines, 2015. Collection method: research. Allele origin: germline.

Illumina Laboratory Services, Illumina
Classification: Uncertain significance for Pyruvate dehydrogenase E3-binding protein deficiency. Last evaluated: 2018-01-13. Review status: criteria provided, single submitter. Criteria: ICSL Variant Classification Criteria 13 December 2019. Collection method: clinical testing. Allele origin: germline.